The following is an entry in ClinVar:

ClinVar aggregate classification (germline): Pathogenic (1 of 4 stars; one submission).

Conditions:
Galactosylceramide beta-galactosidase deficiency. Also called: Leukodystrophy, Globoid Cell; Krabbe Disease; GALACTOCEREBROSIDASE DEFICIENCY; GALC DEFICIENCY; GLOBOID CELL LEUKOENCEPHALOPATHY. Identifiers: Orphanet 487, MedGen C0023521, MONDO:0009499, OMIM 245200.

Submission:

Women's Health and Genetics/Laboratory Corporation of America, LabCorp
Classification: Pathogenic for Galactosylceramide beta-galactosidase deficiency. Last evaluated: 2026-06-22. Review status: criteria provided, single submitter. Criteria: LabCorp Variant Classification Summary - May 2015. Collection method: clinical testing. Allele origin: germline.
Comment: Variant summary: The variant involves the deletion of exons 13-17 in the GALC gene. This Copy Number Variant (CNV) is expected to alter the reading frame and predicted to result in a truncation or absence of the encoded protein due to nonsense mediated decay (NMD). Loss-of-function variants in this gene are known to be pathogenic. A presumed nomenclature of c.(1338+1_1339-1)_(*1719_?)del has been designated for the purposes of this classification. The variant was absent in 21694 control chromosomes (gnomAD). To our knowledge, no occurrence of c.(1338+1_1339-1)_(*1719_?)del in individuals affected with GALC-related conditions and no experimental evidence demonstrating its impact on protein function have been reported. No submitters have cited clinical-significance assessments for this variant to ClinVar. Based on the evidence outlined above, the variant was classified as pathogenic.

NC_000014.8:g.(?_88399357)_(88414223_88416188)del

Gene: GALC (galactosylceramidase; minus strand). Cytogenetic location: 14q31.3.
Variant type: Deletion.
Identifiers: ClinVar variation 4887765 (VCV004887765.1).